The following is an entry in ClinVar:

ClinVar aggregate classification (germline): Uncertain significance (1 of 4 stars; one submission).

Conditions:
Spastic paraplegia. Identifiers: MedGen C0037772, HP:0001258.

gnomAD v4.1: 1 of 1,614,116 alleles (0.000062%); no homozygotes.

Submission:

Labcorp Genetics (formerly Invitae), Labcorp
Classification: Uncertain significance for Spastic paraplegia. Last evaluated: 2021-11-27. Review status: criteria provided, single submitter. Criteria: Invitae Variant Classification Sherloc (09022015). Collection method: clinical testing. Allele origin: germline.
Comment: This sequence change replaces valine, which is neutral and non-polar, with isoleucine, which is neutral and non-polar, at codon 480 of the SLC33A1 protein (p.Val480Ile). This variant is present in population databases (no rsID available, gnomAD 0.0009%). This variant has not been reported in the literature in individuals affected with SLC33A1-related conditions. Algorithms developed to predict the effect of missense changes on protein structure and function (SIFT, PolyPhen-2, Align-GVGD) all suggest that this variant is likely to be tolerated. In summary, the available evidence is currently insufficient to determine the role of this variant in disease. Therefore, it has been classified as a Variant of Uncertain Significance.

NM_004733.4(SLC33A1):c.1438G>A (p.Val480Ile)

Gene: SLC33A1 (solute carrier family 33 member 1; minus strand). Cytogenetic location: 3q25.31.
Variant type: single nucleotide variant.
Coding change: c.1438G>A on transcript NM_004733.4 (MANE Select); coding-DNA position 1438, G replaced by A.
Protein change: p.Val480Ile; replaces valine 480 with isoleucine.
Molecular consequence: missense variant.
Genome position (GRCh38, 1-based): chr3:155,829,732, C>T on the plus strand (G>A on the coding strand, the complement: SLC33A1 is on the minus strand). VCF-style: chr3-155829732-C-T. GRCh37 (hg19) VCF-style: chr3-155547521-C-T.
Other names: c.1438G>A, p.Val480Ile (NM_001190992.2); c.1132G>A, p.Val378Ile (NM_001363883.1); short protein forms V480I, V378I.
Identifiers: ClinVar variation 1441111 (VCV001441111.6), dbSNP rs747418232, ClinGen allele CA355140086.